The following is an entry in ClinVar:

NM_001386795.1(DTNA):c.1994-138A>G

Gene: DTNA (dystrobrevin alpha; plus strand). Cytogenetic location: 18q12.1.
Variant type: single nucleotide variant.
Coding change: c.1994-138A>G on transcript NM_001386795.1 (MANE Select); 138 bases into the intron before coding-DNA position 1994, A replaced by G.
Molecular consequence: intron variant.
Genome position (GRCh38, 1-based): chr18:34,879,413, A>G. VCF-style: chr18-34879413-A-G. GRCh37 (hg19) VCF-style: chr18-32459377-A-G.
Other names: NC_000018.9:g.32459377A>G; c.1742-138A>G (NM_032975.4, NM_001386761.1); c.1739-138A>G (NM_001386762.1); c.1823-138A>G (NM_001386754.1, NM_001386755.1, NM_001386757.1 and 3 more transcripts); c.1820-138A>G (NM_001386760.1); c.1733-138A>G (NM_001386763.1, NM_001386764.1, NM_001198940.2 and 5 more transcripts); c.1730-138A>G (NM_001386768.1, NM_001386769.1); c.1754-138A>G (NM_001198939.2); and 6 more.
Identifiers: ClinVar variation 675962 (VCV000675962.2), dbSNP rs58591324, ClinGen allele CA297801826.

ClinVar aggregate classification (germline): Benign (1 of 4 stars; one submission).

Allele frequency attached by ClinVar (database versions not stated): gnomAD exomes 0.00302; gnomAD 0.02731 and 0.02935; 1000 Genomes Project 0.02975; TOPMed 0.03130; 1000 Genomes Project 30x 0.03326.
gnomAD v4.1: 6,353 of 845,396 alleles (0.75%); highest among the groups gnomAD compares: African/African-American, 9.3%; 264 homozygotes.

Submissions (8):

GeneDx
Classification: Benign. Last evaluated: 2018-06-19. Review status: criteria provided, single submitter. Criteria: GeneDx Variant Classification (06012015). Collection method: clinical testing. Allele origin: germline. Affected: yes.
Comment: This variant is considered likely benign or benign based on one or more of the following criteria: it is a conservative change, it occurs at a poorly conserved position in the protein, it is predicted to be benign by multiple in silico algorithms, and/or has population frequency not consistent with disease.

Dr. Peter K. Rogan Lab, Western University
No classification provided (evidence only). Condition: Lung cancer. Review status: no classification provided. Collection method: in vitro. Allele origin: not applicable. Functional consequence: retained intron. Not counted in ClinVar's aggregate classification.

Dr. Peter K. Rogan Lab, Western University
No classification provided (evidence only). Condition: Uterine corpus endometrial carcinoma. Review status: no classification provided. Collection method: in vitro. Allele origin: not applicable. Functional consequence: retained intron. Not counted in ClinVar's aggregate classification.

Dr. Peter K. Rogan Lab, Western University
No classification provided (evidence only). Condition: Uterine corpus endometrial carcinoma. Review status: no classification provided. Collection method: in vitro. Allele origin: not applicable. Functional consequence: retained intron. Not counted in ClinVar's aggregate classification.

Dr. Peter K. Rogan Lab, Western University
No classification provided (evidence only). Condition: Uterine corpus endometrial carcinoma. Review status: no classification provided. Collection method: in vitro. Allele origin: not applicable. Functional consequence: retained intron. Not counted in ClinVar's aggregate classification.

Dr. Peter K. Rogan Lab, Western University
No classification provided (evidence only). Condition: Cervical cancer. Review status: no classification provided. Collection method: in vitro. Allele origin: not applicable. Functional consequence: retained intron. Not counted in ClinVar's aggregate classification.

Dr. Peter K. Rogan Lab, Western University
No classification provided (evidence only). Condition: Cervical cancer. Review status: no classification provided. Collection method: in vitro. Allele origin: not applicable. Functional consequence: retained intron. Not counted in ClinVar's aggregate classification.

Dr. Peter K. Rogan Lab, Western University
No classification provided (evidence only). Condition: Cholangiocarcinoma. Review status: no classification provided. Collection method: in vitro. Allele origin: not applicable. Functional consequence: retained intron. Not counted in ClinVar's aggregate classification.